The following is an entry in ClinVar:

ClinVar aggregate classification (germline): Pathogenic (1 of 4 stars; one submission).

Conditions:
Kartagener syndrome (CILD1). Also called: CILIARY DYSKINESIA, PRIMARY, 1; CILIARY DYSKINESIA, PRIMARY, 1, WITH OR WITHOUT SITUS INVERSUS; IMMOTILE CILIA SYNDROME; POLYNESIAN BRONCHIECTASIS; Dextrocardia bronchiectasis and sinusitis; SIEWERT SYNDROME. Identifiers: Orphanet 244, MedGen C4551906, MONDO:0009484, OMIM 244400.

Submission:

Myriad Genetics, Inc.
Classification: Pathogenic for Kartagener syndrome. Last evaluated: 2024-05-14. Review status: criteria provided, single submitter. Criteria: Myriad Autosomal Dominant, Autosomal Recessive and X-Linked Classification Criteria (2023). Collection method: clinical testing. Allele origin: unknown.
Comment: NM_012144.2(DNAI1):c.566_568del3ins8(T189Kfs*49) is expected to be pathogenic in the context of primary ciliary dyskinesia, DNAI1-related. This variant is predicted to lead to an abnormal or absent protein product due to the creation of a premature termination codon in DNAI1, a gene where loss-of-function variants are known to be pathogenic. Please note: this variant was assessed in the context of healthy population screening.

NM_012144.4(DNAI1):c.566_568delinsAACTCCTT (p.Thr189fs)

Gene: DNAI1 (dynein axonemal intermediate chain 1; plus strand). Cytogenetic location: 9p13.3.
Variant type: Indel.
Coding change: c.566_568delinsAACTCCTT on transcript NM_012144.4 (MANE Select); coding-DNA positions 566 to 568, CTA replaced by AACTCCTT.
Protein change: p.Thr189fs; shifts the reading frame from threonine 189.
Molecular consequence: frameshift variant.
Genome position (GRCh38, 1-based): chr9:34,490,433-34,490,435, CTA replaced by AACTCCTT. VCF-style: chr9-34490433-CTA-AACTCCTT. GRCh37 (hg19) VCF-style: chr9-34490431-CTA-AACTCCTT.
Other names: c.578_580delinsAACTCCTT, p.Thr193fs (NM_001281428.2); short protein forms T189fs, T193fs.
Identifiers: ClinVar variation 5010441 (VCV005010441.1).